The following is an entry in ClinVar:

ClinVar aggregate classification (germline): Uncertain significance (1 of 4 stars; one submission).

Allele frequency attached by ClinVar (database versions not stated): TOPMed 0.00001.

Submission:

Labcorp Genetics (formerly Invitae), Labcorp
Classification: Uncertain significance. Last evaluated: 2021-08-15. Review status: criteria provided, single submitter. Criteria: Invitae Variant Classification Sherloc (09022015). Collection method: clinical testing. Allele origin: germline.
Comment: This sequence change replaces proline with threonine at codon 2720 of the CDH23 protein (p.Pro2720Thr). The proline residue is highly conserved and there is a small physicochemical difference between proline and threonine. This variant is not present in population databases (ExAC no frequency). This variant has not been reported in the literature in individuals affected with CDH23-related conditions. Algorithms developed to predict the effect of missense changes on protein structure and function are either unavailable or do not agree on the potential impact of this missense change (SIFT: "Deleterious"; PolyPhen-2: "Not Available"; Align-GVGD: "Class C0"). In summary, the available evidence is currently insufficient to determine the role of this variant in disease. Therefore, it has been classified as a Variant of Uncertain Significance.

NM_022124.6(CDH23):c.8158C>A (p.Pro2720Thr)

Gene: CDH23 (cadherin related 23; plus strand). Cytogenetic location: 10q22.1.
Variant type: single nucleotide variant.
Coding change: c.8158C>A on transcript NM_022124.6 (MANE Select); coding-DNA position 8158, C replaced by A.
Protein change: p.Pro2720Thr; replaces proline 2720 with threonine.
Molecular consequence: missense variant.
Genome position (GRCh38, 1-based): chr10:71,806,261, C>A. VCF-style: chr10-71806261-C-A. GRCh37 (hg19) VCF-style: chr10-73566018-C-A.
Other names: c.1438C>A, p.Pro480Thr (NM_001171933.1, NM_001171934.1); short protein forms P2720T, P480T.
Identifiers: ClinVar variation 1350274 (VCV001350274.3), dbSNP rs865783005, ClinGen allele CA209474447.